The following is an entry in ClinVar:

NM_021930.6(RINT1):c.302A>G (p.Lys101Arg)

Gene: RINT1 (RAD50 interactor 1; plus strand). Cytogenetic location: 7q22.3.
Variant type: single nucleotide variant.
Coding change: c.302A>G on transcript NM_021930.6 (MANE Select); coding-DNA position 302, A replaced by G.
Protein change: p.Lys101Arg; replaces lysine 101 with arginine.
Molecular consequence: missense variant. On other transcripts: 5 prime UTR variant (3), non-coding transcript variant (1).
Genome position (GRCh38, 1-based): chr7:105,542,436, A>G. VCF-style: chr7-105542436-A-G. GRCh37 (hg19) VCF-style: chr7-105182883-A-G.
Other names: c.68A>G, p.Lys23Arg (NM_001346599.2); c.-718A>G (NM_001346600.2); c.-621A>G (NM_001346601.2); c.-241A>G (NM_001346603.2); short protein forms K101R, K23R.
Identifiers: ClinVar variation 3433596 (VCV003433596.1).

ClinVar aggregate classification (germline): Uncertain significance (1 of 4 stars; one submission).

Submission:

Ambry Genetics
Classification: Uncertain significance. Last evaluated: 2024-08-03. Review status: criteria provided, single submitter. Criteria: Ambry Variant Classification Scheme 2023. Collection method: clinical testing. Allele origin: germline.
Comment: The p.K101R variant (also known as c.302A>G), located in coding exon 4 of the RINT1 gene, results from an A to G substitution at nucleotide position 302. The lysine at codon 101 is replaced by arginine, an amino acid with highly similar properties. This amino acid position is conserved. In addition, this alteration is predicted to be tolerated by in silico analysis. Based on the available evidence, the clinical significance of this variant remains unclear.